The following is an entry in ClinVar:

ClinVar aggregate classification (germline): Uncertain significance (1 of 4 stars; one submission).

Conditions:
Alpha thalassemia-X-linked intellectual disability syndrome (ATRX). Also called: ALPHA-THALASSEMIA/MENTAL RETARDATION SYNDROME, X-LINKED; ATR, NONDELETION TYPE; ATR-X syndrome; Alpha thalassemia mental retardation syndrome, nondeletion type, X-linked; XLMR hypotonic face syndrome; X-linked alpha-thalassemia-mental retardation syndrome. Identifiers: Orphanet 847, MedGen C1845055, MONDO:0010519, OMIM 301040.

Submission:

Labcorp Genetics (formerly Invitae), Labcorp
Classification: Uncertain significance for Alpha thalassemia-X-linked intellectual disability syndrome. Last evaluated: 2023-11-10. Review status: criteria provided, single submitter. Criteria: Invitae Variant Classification Sherloc (09022015). Collection method: clinical testing. Allele origin: germline.
Comment: This sequence change replaces alanine, which is neutral and non-polar, with glycine, which is neutral and non-polar, at codon 364 of the ATRX protein (p.Ala364Gly). This variant is not present in population databases (gnomAD no frequency). This variant has not been reported in the literature in individuals affected with ATRX-related conditions. Advanced modeling of protein sequence and biophysical properties (such as structural, functional, and spatial information, amino acid conservation, physicochemical variation, residue mobility, and thermodynamic stability) performed at Invitae indicates that this missense variant is not expected to disrupt ATRX protein function with a negative predictive value of 95%. In summary, the available evidence is currently insufficient to determine the role of this variant in disease. Therefore, it has been classified as a Variant of Uncertain Significance.

NM_000489.6(ATRX):c.1091C>G (p.Ala364Gly)

Gene: ATRX (ATRX chromatin remodeler; minus strand). Cytogenetic location: Xq21.1.
Variant type: single nucleotide variant.
Coding change: c.1091C>G on transcript NM_000489.6 (MANE Select); coding-DNA position 1091, C replaced by G.
Protein change: p.Ala364Gly; replaces alanine 364 with glycine.
Molecular consequence: missense variant.
Genome position (GRCh38, 1-based): chrX:77,684,165, G>C on the plus strand (C>G on the coding strand, the complement: ATRX is on the minus strand). VCF-style: chrX-77684165-G-C. GRCh37 (hg19) VCF-style: chrX-76939657-G-C.
Other names: c.977C>G, p.Ala326Gly (NM_138270.5); short protein forms A326G, A364G.
Identifiers: ClinVar variation 2962339 (VCV002962339.3), dbSNP rs2148630750, ClinGen allele CA413719525.